The following is an entry in ClinVar:

NM_018489.3(ASH1L):c.1021A>G (p.Lys341Glu)

Gene: ASH1L (ASH1 like histone lysine methyltransferase; minus strand). Cytogenetic location: 1q22.
Variant type: single nucleotide variant.
Coding change: c.1021A>G on transcript NM_018489.3 (MANE Select); coding-DNA position 1021, A replaced by G.
Protein change: p.Lys341Glu; replaces lysine 341 with glutamic acid.
Molecular consequence: missense variant.
Genome position (GRCh38, 1-based): chr1:155,481,849, T>C on the plus strand (A>G on the coding strand, the complement: ASH1L is on the minus strand). VCF-style: chr1-155481849-T-C. GRCh37 (hg19) VCF-style: chr1-155451640-T-C.
Other names: c.1021A>G, p.Lys341Glu (NM_001366177.2); short protein forms K341E.
Identifiers: ClinVar variation 2671683 (VCV002671683.1), dbSNP rs1166655680, ClinGen allele CA342739513.

ClinVar aggregate classification (germline): Uncertain significance (1 of 4 stars; one submission).

Conditions:
Intellectual developmental disorder, autosomal dominant 52. Also called: Intellectual disability, autosomal dominant 52; Mental retardation, autosomal dominant 52. Identifiers: MedGen C4540478, MONDO:0030918, OMIM 617796.

Allele frequency attached by ClinVar (database versions not stated): gnomAD exomes 0.00001.
gnomAD v4.1: 3 of 1,614,208 alleles (0.00019%); highest among the groups gnomAD compares: South Asian, 0.0033%; no homozygotes.

Submission:

Neuberg Centre For Genomic Medicine, NCGM
Classification: Uncertain significance for Intellectual developmental disorder, autosomal dominant 52. Last evaluated: 2023-03-01. Review status: criteria provided, single submitter. Criteria: ACMG Guidelines, 2015. Collection method: clinical testing. Allele origin: germline. Inheritance: Autosomal dominant inheritance. Affected: yes.
Comment: The missense c.1021A>G(p.Lys341Glu) variant in ASH1L gene has not been reported previously as a pathogenic variant nor a benign variant, to our knowledge. The p.Lys341Glu variant has been reported with allele frequency of 0.0004% in gnomAD Exomes and is novel (not in any individuals) in 1000 Genomes. This variant has not been reported to the ClinVar database. The amino acid change p.Lys341Glu in ASH1L is predicted as conserved by GERP++ and PhyloP across 100 vertebrates. The amino acid Lys at position 341 is changed to a Glu changing protein sequence and it might alter its composition and physico-chemical properties. For these reasons, this variant has been classified as a Variant of Uncertain Significance (VUS).